The following is an entry in ClinVar:

ClinVar aggregate classification (germline): Uncertain significance. Review status: criteria provided, multiple submitters, no conflicts (2 of 4 stars). 2 submissions from 2 submitters: Uncertain significance (2). Last evaluated 2024-04-12.

Conditions:
Seizures, benign familial infantile, 3 (BFIS3). Also called: Familial neonatal seizures; CONVULSIONS, BENIGN FAMILIAL INFANTILE, 3. Identifiers: Orphanet 140927, Orphanet 306, MedGen C1843140, MONDO:0011904, OMIM 607745.
Developmental and epileptic encephalopathy, 11 (DEE11). Also called: Early infantile epileptic encephalopathy 11. Identifiers: Orphanet 1934, MedGen C3150987, MONDO:0013388, OMIM 613721.

Submissions (2):

GeneDx
Classification: Uncertain significance. Last evaluated: 2024-04-12. Review status: criteria provided, single submitter. Criteria: GeneDx Variant Classification Process June 2021. Collection method: clinical testing. Allele origin: germline. Affected: yes.
Comment: Not observed at significant frequency in large population cohorts (gnomAD); In silico analysis supports that this missense variant has a deleterious effect on protein structure/function; This substitution is predicted to be within the transmembrane segment S2 of the first homologous domain; Has not been previously published as pathogenic or benign to our knowledge

Labcorp Genetics (formerly Invitae), Labcorp
Classification: Uncertain significance for Seizures, benign familial infantile, 3; Developmental and epileptic encephalopathy, 11. Last evaluated: 2022-11-08. Review status: criteria provided, single submitter. Criteria: Invitae Variant Classification Sherloc (09022015). Collection method: clinical testing. Allele origin: germline.
Comment: In summary, the available evidence is currently insufficient to determine the role of this variant in disease. Therefore, it has been classified as a Variant of Uncertain Significance. Advanced modeling of protein sequence and biophysical properties (such as structural, functional, and spatial information, amino acid conservation, physicochemical variation, residue mobility, and thermodynamic stability) performed at Invitae indicates that this missense variant is expected to disrupt SCN2A protein function. ClinVar contains an entry for this variant (Variation ID: 1408078). This variant has not been reported in the literature in individuals affected with SCN2A-related conditions. This variant is not present in population databases (gnomAD no frequency). This sequence change replaces threonine, which is neutral and polar, with asparagine, which is neutral and polar, at codon 161 of the SCN2A protein (p.Thr161Asn).

NM_001040142.2(SCN2A):c.482C>A (p.Thr161Asn)

Gene: SCN2A (sodium voltage-gated channel alpha subunit 2; plus strand). Cytogenetic location: 2q24.3.
Variant type: single nucleotide variant.
Coding change: c.482C>A on transcript NM_001040142.2 (MANE Select); coding-DNA position 482, C replaced by A.
Protein change: p.Thr161Asn; replaces threonine 161 with asparagine.
Molecular consequence: missense variant.
Genome position (GRCh38, 1-based): chr2:165,308,671, C>A. VCF-style: chr2-165308671-C-A. GRCh37 (hg19) VCF-style: chr2-166165181-C-A.
Other names: c.482C>A (NM_021007.2); c.482C>A, p.Thr161Asn (NM_001040143.2, NM_001371246.1, NM_001371247.1 and 1 more transcripts); short protein forms T161N.
Identifiers: ClinVar variation 1408078 (VCV001408078.7), dbSNP rs2105243271, ClinGen allele CA349015864.